The following is an entry in ClinVar:

NM_015272.5(RPGRIP1L):c.1771_1772del (p.Ser590_Val591insTer)

Gene: RPGRIP1L (RPGRIP1 like; minus strand). Cytogenetic location: 16q12.2.
Variant type: Deletion.
Coding change: c.1771_1772del on transcript NM_015272.5 (MANE Select); coding-DNA positions 1771 to 1772, 2 bases deleted (GT; older notation c.1771_1772delGT).
Protein change: p.Ser590_Val591insTer.
Molecular consequence: nonsense.
Genome position (GRCh38, 1-based): chr16:53,652,915-53,652,916, AC deleted on the plus strand (GT on the coding strand, the reverse complement: RPGRIP1L is on the minus strand); deleting any 2 consecutive bases within chr16:53,652,915-53,652,917 gives the same sequence; the c. name uses the placement nearest the transcript's 3' end. VCF-style (leftmost placement, unchanged base first): chr16-53652914-AAC-A. GRCh37 (hg19) VCF-style: chr16-53686826-AAC-A.
Other names: c.1771_1772del, p.Ser590_Val591insTer (NM_001127897.4, NM_001308334.3, NM_001330538.2).
Identifiers: ClinVar variation 4815832 (VCV004815832.1).

ClinVar aggregate classification (germline): Likely pathogenic (1 of 4 stars; one submission).

Conditions:
Joubert syndrome. Also called: Familial aplasia of the vermis; JOUBERT-BOLTSHAUSER SYNDROME; CEREBELLOPARENCHYMAL DISORDER IV. Identifiers: Orphanet 475, MedGen C5979921, MONDO:0018772.

Submission:

Natera, Inc.
Classification: Likely pathogenic for Joubert syndrome. Last evaluated: 2024-05-08. Review status: criteria provided, single submitter. Criteria: Natera Variant Classification Schema (03/2026). Collection method: clinical testing. Allele origin: germline.
Comment: The c.1771_1772delGT variant in RPGRIP1L is a frameshift variant predicted to shift the reading frame and introduce a stop codon. This variant is expected to result in nonsense mediated decay, truncation, or a dysfunctional protein product. This variant is rare in the general population with a frequency below the threshold expected for the associated phenotype(s). Given the available evidence, this variant is classified as Likely Pathogenic.